The following is an entry in ClinVar:

ClinVar aggregate classification (germline): Uncertain significance. Review status: criteria provided, multiple submitters, no conflicts (2 of 4 stars). 2 submissions from 2 submitters: Uncertain significance (2). Last evaluated 2026-07-27.

Conditions:
Inborn genetic diseases. Identifiers: MedGen C0950123, MeSH D030342.

gnomAD v4.1: 1 of 1,608,654 alleles (0.000062%); highest among the groups gnomAD compares: South Asian, 0.0011%; no homozygotes.

Submissions (2):

Ambry Genetics
Classification: Uncertain significance for Inborn genetic diseases. Last evaluated: 2026-07-27. Review status: criteria provided, single submitter. Criteria: Ambry Variant Classification Scheme 2023. Collection method: clinical testing. Allele origin: germline.
Comment: The p.K1251Q variant (also known as c.3751A>C), located in coding exon 1 of the SAMD9 gene, results from an A to C substitution at nucleotide position 3751. The lysine at codon 1251 is replaced by glutamine, an amino acid with similar properties. This amino acid position is conserved. In addition, this alteration is predicted to be tolerated by in silico analysis. Based on the available evidence, the clinical significance of this variant remains unclear.

Labcorp Genetics (formerly Invitae), Labcorp
Classification: Uncertain significance. Last evaluated: 2025-01-10. Review status: criteria provided, single submitter. Criteria: Invitae Variant Classification Sherloc (09022015). Collection method: clinical testing. Allele origin: germline.
Comment: This sequence change replaces lysine, which is basic and polar, with glutamine, which is neutral and polar, at codon 1251 of the SAMD9 protein (p.Lys1251Gln). This variant is present in population databases (no rsID available, gnomAD 0.003%). This variant has not been reported in the literature in individuals affected with SAMD9-related conditions. Invitae Evidence Modeling of protein sequence and biophysical properties (such as structural, functional, and spatial information, amino acid conservation, physicochemical variation, residue mobility, and thermodynamic stability) indicates that this missense variant is not expected to disrupt SAMD9 protein function with a negative predictive value of 95%. In summary, the available evidence is currently insufficient to determine the role of this variant in disease. Therefore, it has been classified as a Variant of Uncertain Significance.

NM_017654.4(SAMD9):c.3751A>C (p.Lys1251Gln)

Gene: SAMD9 (sterile alpha motif domain containing 9; minus strand). Cytogenetic location: 7q21.2.
Variant type: single nucleotide variant.
Coding change: c.3751A>C on transcript NM_017654.4 (MANE Select); coding-DNA position 3751, A replaced by C.
Protein change: p.Lys1251Gln; replaces lysine 1251 with glutamine.
Molecular consequence: missense variant.
Genome position (GRCh38, 1-based): chr7:93,102,347, T>G on the plus strand (A>C on the coding strand, the complement: SAMD9 is on the minus strand). VCF-style: chr7-93102347-T-G. GRCh37 (hg19) VCF-style: chr7-92731660-T-G.
Other names: c.3751A>C (NM_017654.3); c.3751A>C, p.Lys1251Gln (NM_001193307.2); short protein forms K1251Q.
Identifiers: ClinVar variation 3636732 (VCV003636732.3).